The following is an entry in ClinVar:

NM_001130823.3(DNMT1):c.4327C>A (p.His1443Asn)

Gene: DNMT1 (DNA methyltransferase 1; minus strand). Cytogenetic location: 19p13.2.
Variant type: single nucleotide variant.
Coding change: c.4327C>A on transcript NM_001130823.3 (MANE Select); coding-DNA position 4327, C replaced by A.
Protein change: p.His1443Asn; replaces histidine 1443 with asparagine.
Molecular consequence: missense variant.
Genome position (GRCh38, 1-based): chr19:10,137,247, G>T on the plus strand (C>A on the coding strand, the complement: DNMT1 is on the minus strand). VCF-style: chr19-10137247-G-T. GRCh37 (hg19) VCF-style: chr19-10247923-G-T.
Other names: c.4327C>A (LRG_362t1); c.4279C>A, p.His1427Asn (NM_001318730.2, NM_001379.4); c.3964C>A, p.His1322Asn (NM_001318731.2); short protein forms H1443N, H1427N, H1322N.
Identifiers: ClinVar variation 539595 (VCV000539595.8), dbSNP rs1255037718, ClinGen allele CA403969815.

ClinVar aggregate classification (germline): Uncertain significance (1 of 4 stars; one submission).

Conditions:
Hereditary sensory neuropathy-deafness-dementia syndrome. Also called: Hereditary sensory neuropathy type IE; NEUROPATHY, HEREDITARY SENSORY, WITH HEARING LOSS AND DEMENTIA; Hereditary Sensory and Autonomic Neuropathy Type 1E (HSAN1E); HSN IE. Identifiers: Orphanet 456318, MedGen C3279885, MONDO:0013584, OMIM 614116.

Allele frequency attached by ClinVar (database versions not stated): gnomAD exomes below 0.00001; gnomAD 0.00001.
gnomAD v4.1: 2 of 1,609,826 alleles (0.00012%); highest among the groups gnomAD compares: Non-Finnish European, 0.00017%; no homozygotes.

Submission:

Labcorp Genetics (formerly Invitae), Labcorp
Classification: Uncertain significance for Hereditary sensory neuropathy-deafness-dementia syndrome. Last evaluated: 2017-11-24. Review status: criteria provided, single submitter. Criteria: Invitae Variant Classification Sherloc (09022015). Collection method: clinical testing. Allele origin: germline.
Comment: This sequence change replaces histidine with asparagine at codon 1443 of the DNMT1 protein (p.His1443Asn). The histidine residue is moderately conserved and there is a small physicochemical difference between histidine and asparagine. This variant is not present in population databases (ExAC no frequency). This variant has not been reported in the literature in individuals with DNMT1-related disease. Algorithms developed to predict the effect of missense changes on protein structure and function output the following: SIFT: "Tolerated"; PolyPhen-2: "Benign"; Align-GVGD: "Class C0". The asparagine amino acid residue is found in multiple mammalian species, suggesting that this missense change does not adversely affect protein function. These predictions have not been confirmed by published functional studies and their clinical significance is uncertain. In summary, the available evidence is currently insufficient to determine the role of this variant in disease. Therefore, it has been classified as a Variant of Uncertain Significance.